The following is an entry in ClinVar:

NM_001077446.4(TSEN34):c.850G>A (p.Val284Ile)

Gene: TSEN34 (tRNA splicing endonuclease subunit 34; plus strand). Cytogenetic location: 19q13.42.
Variant type: single nucleotide variant.
Coding change: c.850G>A on transcript NM_001077446.4 (MANE Select); coding-DNA position 850, G replaced by A.
Protein change: p.Val284Ile; replaces valine 284 with isoleucine.
Molecular consequence: missense variant.
Genome position (GRCh38, 1-based): chr19:54,193,279, G>A. VCF-style: chr19-54193279-G-A. GRCh37 (hg19) VCF-style: chr19-54697134-G-A.
Other names: c.850G>A, p.Val284Ile (NM_001282332.2, NM_001282333.2, NM_001386740.1 and 1 more transcripts); short protein forms V284I.
Identifiers: ClinVar variation 1381476 (VCV001381476.8), dbSNP rs201334285, ClinGen allele CA309376353.
Genomic context (GRCh38, chr19:54,193,279, plus strand): 5'-GCCCCTGAGGACACCATCCCACTCCAAGACCTGGTTGCTGCTGGGCGCCTTGGAACCAGC[G>A]TCAGAAAGACCCTGCTCCTCTGTTCTCCGCAGCCTGATGGTAAGGTGGTCTACACCTCCC-3'
Protein context (NP_001070914.1, residues 274-294): LVAAGRLGTS[Val284Ile]RKTLLLCSPQ

ClinVar aggregate classification (germline): Uncertain significance (1 of 4 stars; one submission).

Allele frequency attached by ClinVar (database versions not stated): TOPMed 0.00002; gnomAD 0.00004 and 0.00006; gnomAD exomes 0.00005 and 0.00008; ExAC 0.00006; 1000 Genomes Project 0.00020; 1000 Genomes Project 30x 0.00062.
gnomAD v4.1: 79 of 1,614,096 alleles (0.0049%); highest among the groups gnomAD compares: Admixed American, 0.015%; no homozygotes.

Submission:

Labcorp Genetics (formerly Invitae), Labcorp
Classification: Uncertain significance. Last evaluated: 2024-11-18. Review status: criteria provided, single submitter. Criteria: Invitae Variant Classification Sherloc (09022015). Collection method: clinical testing. Allele origin: germline.
Comment: This sequence change replaces valine, which is neutral and non-polar, with isoleucine, which is neutral and non-polar, at codon 284 of the TSEN34 protein (p.Val284Ile). This variant is present in population databases (rs201334285, gnomAD 0.02%). This variant has not been reported in the literature in individuals affected with TSEN34-related conditions. ClinVar contains an entry for this variant (Variation ID: 1381476). An algorithm developed to predict the effect of missense changes on protein structure and function (PolyPhen-2) suggests that this variant is likely to be disruptive. In summary, the available evidence is currently insufficient to determine the role of this variant in disease. Therefore, it has been classified as a Variant of Uncertain Significance.